The following is an entry in ClinVar:

NM_005993.5(TBCD):c.1979A>G (p.Gln660Arg)

Gene: TBCD (tubulin folding cofactor D). Cytogenetic location: 17q25.3.
Variant type: single nucleotide variant.
Coding change: c.1979A>G on transcript NM_005993.5 (MANE Select); coding-DNA position 1979, A replaced by G.
Protein change: p.Gln660Arg; replaces glutamine 660 with arginine.
Molecular consequence: missense variant.
Genome position (GRCh38, 1-based): chr17:82,907,817, A>G. VCF-style: chr17-82907817-A-G. GRCh37 (hg19) VCF-style: chr17-80865693-A-G.
Other names: c.1979A>G (NM_005993.4); short protein forms Q660R.
Identifiers: ClinVar variation 1398955 (VCV001398955.6), dbSNP rs753327888, ClinGen allele CA8862844.
Genomic context (GRCh38, chr17:82,907,817, plus strand): 5'-GCAGGCCCGTCACGGACCATCTGGACGAGCAGGCAGTGCAGGGCCTGAAGCAGATTCACC[A>G]GCAGGTTTGTGTGCAGCCTCTGGGTGTACCCTCAGGAGGCATCACAGGACCTGCCCCCTT-3'
Protein context (NP_005984.3, residues 650-670): QAVQGLKQIH[Gln660Arg]QLYDRQLYRG

ClinVar aggregate classification (germline): Uncertain significance. Review status: criteria provided, multiple submitters, no conflicts (2 of 4 stars). 2 submissions from 2 submitters: Uncertain significance (2). Last evaluated 2024-10-25.

Conditions:
Inborn genetic diseases. Identifiers: MedGen C0950123, MeSH D030342.

Allele frequency attached by ClinVar (database versions not stated): gnomAD exomes below 0.00001 and 0.00001; ExAC 0.00001; gnomAD 0.00001; TOPMed 0.00002.
gnomAD v4.1: 7 of 1,613,408 alleles (0.00043%); highest among the groups gnomAD compares: Non-Finnish European, 0.00059%; no homozygotes.

Submissions (2):

Labcorp Genetics (formerly Invitae), Labcorp
Classification: Uncertain significance. Last evaluated: 2024-10-25. Review status: criteria provided, single submitter. Criteria: Invitae Variant Classification Sherloc (09022015). Collection method: clinical testing. Allele origin: germline.
Comment: This sequence change replaces glutamine, which is neutral and polar, with arginine, which is basic and polar, at codon 660 of the TBCD protein (p.Gln660Arg). This variant is present in population databases (rs753327888, gnomAD 0.002%). This variant has not been reported in the literature in individuals affected with TBCD-related conditions. ClinVar contains an entry for this variant (Variation ID: 1398955). Invitae Evidence Modeling of protein sequence and biophysical properties (such as structural, functional, and spatial information, amino acid conservation, physicochemical variation, residue mobility, and thermodynamic stability) indicates that this missense variant is not expected to disrupt TBCD protein function with a negative predictive value of 80%. In summary, the available evidence is currently insufficient to determine the role of this variant in disease. Therefore, it has been classified as a Variant of Uncertain Significance.

Ambry Genetics
Classification: Uncertain significance for Inborn genetic diseases. Last evaluated: 2024-08-20. Review status: criteria provided, single submitter. Criteria: Ambry Variant Classification Scheme 2023. Collection method: clinical testing. Allele origin: germline.